The following is an entry in ClinVar:

NM_006231.4(POLE):c.225T>G (p.Asp75Glu)

Gene: POLE (DNA polymerase epsilon, catalytic subunit; minus strand). Cytogenetic location: 12q24.33.
Variant type: single nucleotide variant.
Coding change: c.225T>G on transcript NM_006231.4 (MANE Select); coding-DNA position 225, T replaced by G.
Protein change: p.Asp75Glu; replaces aspartic acid 75 with glutamic acid.
Molecular consequence: missense variant.
Genome position (GRCh38, 1-based): chr12:132,680,667, A>C on the plus strand (T>G on the coding strand, the complement: POLE is on the minus strand). VCF-style: chr12-132680667-A-C. GRCh37 (hg19) VCF-style: chr12-133257253-A-C.
Other names: short protein forms D75E.
Identifiers: ClinVar variation 1788614 (VCV001788614.2), dbSNP rs1383603519, ClinGen allele CA387369299.

ClinVar aggregate classification (germline): Uncertain significance (1 of 4 stars; one submission).

Conditions:
Hereditary cancer-predisposing syndrome. Also called: Hereditary Cancer Syndrome; Hereditary neoplastic syndrome; Tumor predisposition; Neoplastic Syndromes, Hereditary. Identifiers: Orphanet 140162, MedGen C0027672, MeSH D009386, MONDO:0015356.

Submission:

Ambry Genetics
Classification: Uncertain significance for Hereditary cancer-predisposing syndrome. Last evaluated: 2022-07-11. Review status: criteria provided, single submitter. Criteria: Ambry Variant Classification Scheme 2023. Collection method: clinical testing. Allele origin: germline.
Comment: The p.D75E variant (also known as c.225T>G), located in coding exon 3 of the POLE gene, results from a T to G substitution at nucleotide position 225. The aspartic acid at codon 75 is replaced by glutamic acid, an amino acid with highly similar properties. This amino acid position is conserved. In addition, this alteration is predicted to be tolerated by in silico analysis. Since supporting evidence is limited at this time, the clinical significance of this alteration remains unclear.